The following is an entry in ClinVar:

ClinVar aggregate classification (germline): Likely benign. Review status: criteria provided, single submitter (1 of 4 stars). 2 submissions from 2 submitters: Likely benign (1). 1 of the submissions does not count toward it. Last evaluated 2026-01-19.

Conditions:
AGRN-related disorder. Also called: AGRN-related condition.
Congenital myasthenic syndrome 8. Also called: Myasthenic syndrome, congenital, 8, with pre- and postsynaptic defects; MYASTHENIC SYNDROME, CONGENITAL, DUE TO AGRIN DEFICIENCY. Identifiers: Orphanet 590, MedGen C3808739, MONDO:0014052, OMIM 615120.

Allele frequency attached by ClinVar (database versions not stated): gnomAD exomes 0.00004 and 0.00013; gnomAD 0.00006; ESP Exome Variant Server 0.00008; ExAC 0.00015; 1000 Genomes Project 30x 0.00016; 1000 Genomes Project 0.00020.
gnomAD v4.1: 70 of 1,612,942 alleles (0.0043%); highest among the groups gnomAD compares: Admixed American, 0.048%; no homozygotes.

Submissions (2):

Labcorp Genetics (formerly Invitae), Labcorp
Classification: Likely benign for Congenital myasthenic syndrome 8. Last evaluated: 2026-01-19. Review status: criteria provided, single submitter. Criteria: Invitae Variant Classification Sherloc (09022015). Collection method: clinical testing. Allele origin: germline.

PreventionGenetics, part of Exact Sciences
Classification: Likely benign for AGRN-related condition. Last evaluated: 2019-06-03. Review status: no assertion criteria provided. Collection method: clinical testing. Allele origin: germline. Not counted in ClinVar's aggregate classification.
Comment: This variant is classified as likely benign based on ACMG/AMP sequence variant interpretation guidelines (Richards et al. 2015 PMID: 25741868, with internal and published modifications).

NM_198576.4(AGRN):c.4989G>A (p.Ala1663=)

Gene: AGRN (agrin; plus strand). Cytogenetic location: 1p36.33.
Variant type: single nucleotide variant.
Coding change: c.4989G>A on transcript NM_198576.4 (MANE Select); coding-DNA position 4989, G replaced by A.
Protein change: p.Ala1663=; no amino-acid change (alanine 1663 retained).
Molecular consequence: synonymous variant.
Genome position (GRCh38, 1-based): chr1:1,050,439, G>A. VCF-style: chr1-1050439-G-A. GRCh37 (hg19) VCF-style: chr1-985819-G-A.
Other names: c.4989G>A, p.Ala1663= (NM_001305275.2); c.4674G>A, p.Ala1558= (NM_001364727.2); c.4989G>A (NM_198576.3).
Identifiers: ClinVar variation 1571036 (VCV001571036.11), dbSNP rs371635309, ClinGen allele CA509817.